The following is an entry in ClinVar:

ClinVar aggregate classification (germline): Conflicting classifications of pathogenicity. Review status: criteria provided, conflicting classifications (1 of 4 stars). 2 submissions from 2 submitters: Uncertain significance (1); Benign (1). Last evaluated 2025-12-09.

Conditions:
Familial thoracic aortic aneurysm and aortic dissection (TAAD). Also called: Thoracic aortic aneurysms and dissections. Identifiers: Orphanet 91387, MedGen C4707243, MONDO:0019625.
Aortic aneurysm, familial thoracic 4 (AAT4). Also called: AORTIC ANEURYSM/AORTIC DISSECTION AND PATENT DUCTUS ARTERIOSUS. Identifiers: MedGen C1851504, MONDO:0007568, OMIM 132900.

Submissions (2):

Labcorp Genetics (formerly Invitae), Labcorp
Classification: Benign for Aortic aneurysm, familial thoracic 4. Last evaluated: 2025-12-09. Review status: criteria provided, single submitter. Criteria: Invitae Variant Classification Sherloc (09022015). Collection method: clinical testing. Allele origin: germline.

Color Diagnostics, LLC DBA Color Health
Classification: Uncertain significance for Familial thoracic aortic aneurysm and aortic dissection. Last evaluated: 2023-07-31. Review status: criteria provided, single submitter. Criteria: ACMG Guidelines, 2015. Collection method: clinical testing. Allele origin: germline.
Comment: This variant deletes a single nucleotide in intron 20 of the MYH11 gene. To our knowledge, functional studies have not been reported for this variant. This variant has not been reported in individuals affected with MYH11-related disorders in the literature. This variant has not been identified in the general population by the Genome Aggregation Database (gnomAD). The available evidence is insufficient to determine the role of this variant in disease conclusively. Therefore, this variant is classified as a Variant of Uncertain Significance.

NM_002474.3(MYH11):c.2412-8del

Gene: MYH11 (myosin heavy chain 11; minus strand). Cytogenetic location: 16p13.11.
Variant type: Deletion.
Coding change: c.2412-8del on transcript NM_002474.3 (MANE Select); 8 bases into the intron before coding-DNA position 2412, one base deleted (C; older notation c.2412-8delC).
Molecular consequence: intron variant.
Genome position (GRCh38, 1-based): chr16:15,745,245, G deleted on the plus strand (C on the coding strand, the reverse complement: MYH11 is on the minus strand); the first of 6 consecutive G bases (chr16:15,745,245-15,745,250); deleting any one gives the same sequence. VCF-style (leftmost placement, unchanged base first): chr16-15745244-AG-A. GRCh37 (hg19) VCF-style: chr16-15839101-AG-A.
Other names: c.2412-8del (NM_022844.3); c.2433-8del (NM_001040114.2, NM_001040113.2).
Identifiers: ClinVar variation 2773845 (VCV002773845.3), dbSNP rs1445703494, ClinGen allele CA621069536.